The following is an entry in ClinVar:

ClinVar aggregate classification (germline): Uncertain significance (1 of 4 stars; one submission).

Submission:

GeneDx
Classification: Uncertain significance. Last evaluated: 2024-12-08. Review status: criteria provided, single submitter. Criteria: GeneDx Variant Classification Process June 2021. Collection method: clinical testing. Allele origin: germline. Affected: yes.
Comment: Not observed at significant frequency in large population cohorts (gnomAD); In silico analysis indicates that this missense variant does not alter protein structure/function; Has not been previously published as pathogenic or benign to our knowledge

NM_015335.5(MED13L):c.4429G>A (p.Asp1477Asn)

Gene: MED13L (mediator complex subunit 13L; minus strand). Cytogenetic location: 12q24.21.
Variant type: single nucleotide variant.
Coding change: c.4429G>A on transcript NM_015335.5 (MANE Select); coding-DNA position 4429, G replaced by A.
Protein change: p.Asp1477Asn; replaces aspartic acid 1477 with asparagine.
Molecular consequence: missense variant.
Genome position (GRCh38, 1-based): chr12:115,984,282, C>T on the plus strand (G>A on the coding strand, the complement: MED13L is on the minus strand). VCF-style: chr12-115984282-C-T. GRCh37 (hg19) VCF-style: chr12-116422087-C-T.
Other names: short protein forms D1477N.
Identifiers: ClinVar variation 3901368 (VCV003901368.1).